The following is an entry in ClinVar:

NM_032638.5(GATA2):c.1423A>T (p.Met475Leu)

Gene: GATA2 (GATA binding protein 2; minus strand). Cytogenetic location: 3q21.3.
Variant type: single nucleotide variant.
Coding change: c.1423A>T on transcript NM_032638.5 (MANE Select); coding-DNA position 1423, A replaced by T.
Protein change: p.Met475Leu; replaces methionine 475 with leucine.
Molecular consequence: missense variant.
Genome position (GRCh38, 1-based): chr3:128,481,039, T>A on the plus strand (A>T on the coding strand, the complement: GATA2 is on the minus strand). VCF-style: chr3-128481039-T-A. GRCh37 (hg19) VCF-style: chr3-128199882-T-A.
Other names: c.1423A>T, p.Met475Leu (NM_001145661.2); c.1381A>T, p.Met461Leu (NM_001145662.1); short protein forms M461L, M475L.
Identifiers: ClinVar variation 651053 (VCV000651053.10), dbSNP rs1429596189, ClinGen allele CA354412431.

ClinVar aggregate classification (germline): Uncertain significance. Review status: criteria provided, multiple submitters, no conflicts (2 of 4 stars). 3 submissions from 3 submitters: Uncertain significance (3). Last evaluated 2026-01-21.

Conditions:
Inborn genetic diseases. Identifiers: MedGen C0950123, MeSH D030342.
Acute myeloid leukemia (AML). Also called: Acute myeloid leukemia, adult; AML adult; Acute non-lymphocytic leukemia; Acute granulocytic leukemia; Leukemia, acute myeloid, somatic; Leukemia, acute myelogenous, somatic. Identifiers: Orphanet 519, MedGen C0023467, MeSH D015470, MONDO:0018874, OMIM 601626, HP:0004808. Disease mechanism: Constitutively activated FLT3.
Deafness-lymphedema-leukemia syndrome. Also called: Lymphedema, primary, with myelodysplasia; Emberger syndrome. Identifiers: Orphanet 3226, MedGen C3279664, MONDO:0013540, OMIM 614038.
Monocytopenia with susceptibility to infections. Also called: IMMUNODEFICIENCY 21; GATA2 DEFICIENCY; MONOCYTOPENIA AND MYCOBACTERIAL INFECTION SYNDROME; MONOCYTOPENIA WITH SUSCEPTIBILITY TO MYCOBACTERIAL, FUNGAL, AND PAPILLOMAVIRUS INFECTIONS AND MYELODYSPLASIA; COMBINED IMMUNODEFICIENCY WITH SUSCEPTIBILITY TO MYCOBACTERIAL, VIRAL, AND FUNGAL INFECTIONS; Dendritic cell, monocyte, B lymphocyte, and natural killer lymphocyte deficiency. Identifiers: Orphanet 228423, MedGen C3280030, MONDO:0013607, OMIM 614172.

Submissions (3):

Ambry Genetics
Classification: Uncertain significance for Inborn genetic diseases. Last evaluated: 2026-01-21. Review status: criteria provided, single submitter. Criteria: Ambry Variant Classification Scheme 2023. Collection method: clinical testing. Allele origin: germline.
Comment: The p.M475L variant (also known as c.1423A>T), located in coding exon 5 of the GATA2 gene, results from an A to T substitution at nucleotide position 1423. The methionine at codon 475 is replaced by leucine, an amino acid with highly similar properties. This amino acid position is well conserved in available vertebrate species. In addition, the in silico prediction for this alteration is inconclusive. Based on the available evidence, the clinical significance of this variant remains unclear.

Baylor Genetics
Classification: Uncertain significance for Acute myeloid leukemia. Last evaluated: 2023-06-30. Review status: criteria provided, single submitter. Criteria: ACMG Guidelines, 2015. Collection method: clinical testing. Allele origin: unknown.

Labcorp Genetics (formerly Invitae), Labcorp
Classification: Uncertain significance for Monocytopenia with susceptibility to infections; Deafness-lymphedema-leukemia syndrome. Last evaluated: 2023-05-07. Review status: criteria provided, single submitter. Criteria: Invitae Variant Classification Sherloc (09022015). Collection method: clinical testing. Allele origin: germline.
Comment: In summary, the available evidence is currently insufficient to determine the role of this variant in disease. Therefore, it has been classified as a Variant of Uncertain Significance. Advanced modeling of protein sequence and biophysical properties (such as structural, functional, and spatial information, amino acid conservation, physicochemical variation, residue mobility, and thermodynamic stability) has been performed at Invitae for this missense variant, however the output from this modeling did not meet the statistical confidence thresholds required to predict the impact of this variant on GATA2 protein function. ClinVar contains an entry for this variant (Variation ID: 651053). This variant has not been reported in the literature in individuals affected with GATA2-related conditions. This variant is not present in population databases (gnomAD no frequency). This sequence change replaces methionine, which is neutral and non-polar, with leucine, which is neutral and non-polar, at codon 475 of the GATA2 protein (p.Met475Leu).